The following is an entry in ClinVar:

NM_003139.4(SRPRA):c.1563G>A (p.Thr521=)

Gene: SRPRA (SRP receptor subunit alpha; minus strand). Cytogenetic location: 11q24.2.
Variant type: single nucleotide variant.
Coding change: c.1563G>A on transcript NM_003139.4 (MANE Select); coding-DNA position 1563, G replaced by A.
Protein change: p.Thr521=; no amino-acid change (threonine 521 retained).
Molecular consequence: synonymous variant.
Genome position (GRCh38, 1-based): chr11:126,264,502, C>T on the plus strand (G>A on the coding strand, the complement: SRPRA is on the minus strand). VCF-style: chr11-126264502-C-T. GRCh37 (hg19) VCF-style: chr11-126134397-C-T.
Other names: c.1479G>A, p.Thr493= (NM_001177842.2).
Identifiers: ClinVar variation 3355403 (VCV003355403.1).

ClinVar aggregate classification (germline): Likely benign (0 of 4 stars; one submission).

Conditions:
SRPRA-related disorder. Also called: SRPRA-related condition.

gnomAD v4.1: 8 of 1,613,524 alleles (0.0005%); highest among the groups gnomAD compares: African/African-American, 0.0067%; no homozygotes.

Submission:

PreventionGenetics, part of Exact Sciences
Classification: Likely benign for SRPRA-related condition. Last evaluated: 2024-03-26. Review status: no assertion criteria provided. Collection method: clinical testing. Allele origin: germline.
Comment: This variant is classified as likely benign based on ACMG/AMP sequence variant interpretation guidelines (Richards et al. 2015 PMID: 25741868, with internal and published modifications).